The following is an entry in ClinVar:

ClinVar aggregate classification (germline): Pathogenic/Likely pathogenic. Review status: criteria provided, multiple submitters, no conflicts (2 of 4 stars). 2 submissions from 2 submitters: Pathogenic (1); Likely pathogenic (1). Last evaluated 2024-02-14.

Conditions:
Congenital glaucoma. Identifiers: MedGen C0020302, MONDO:0020366.
Anterior segment dysgenesis 6 (ASGD6). Also called: Anterior segment dysgenesis 6, multiple subtypes. Identifiers: MedGen C4310623, MONDO:0015016, OMIM 617315.

Submissions (2):

Baylor Genetics
Classification: Likely pathogenic for Anterior segment dysgenesis 6. Last evaluated: 2024-02-14. Review status: criteria provided, single submitter. Criteria: ACMG Guidelines, 2015. Collection method: clinical testing. Allele origin: unknown.

Labcorp Genetics (formerly Invitae), Labcorp
Classification: Pathogenic for Congenital glaucoma. Last evaluated: 2023-08-07. Review status: criteria provided, single submitter. Criteria: Invitae Variant Classification Sherloc (09022015). Collection method: clinical testing. Allele origin: germline.
Comment: This variant has not been reported in the literature in individuals affected with CYP1B1-related conditions. For these reasons, this variant has been classified as Pathogenic. This variant disrupts a region of the CYP1B1 protein in which other variant(s) (p.Asp449Metfs*8) have been determined to be pathogenic (PMID: 2782041, 9497261, 12036985, 14635112). This suggests that this is a clinically significant region of the protein, and that variants that disrupt it are likely to be disease-causing. This variant is not present in population databases (gnomAD no frequency). This sequence change creates a premature translational stop signal (p.Ser408Cysfs*22) in the CYP1B1 gene. While this is not anticipated to result in nonsense mediated decay, it is expected to disrupt the last 136 amino acid(s) of the CYP1B1 protein.

Literature cited by the submitters: PubMed 2782041 (cited by Labcorp Genetics (formerly Invitae), Labcorp); PubMed 9497261 (cited by Labcorp Genetics (formerly Invitae), Labcorp); PubMed 12036985 (cited by Labcorp Genetics (formerly Invitae), Labcorp); PubMed 14635112 (cited by Labcorp Genetics (formerly Invitae), Labcorp).

NM_000104.4(CYP1B1):c.1223_1224del (p.Ser408fs)

Gene: CYP1B1 (cytochrome P450 family 1 subfamily B member 1; minus strand). Cytogenetic location: 2p22.2.
Variant type: Microsatellite.
Coding change: c.1223_1224del on transcript NM_000104.4 (MANE Select); coding-DNA positions 1223 to 1224, 2 bases deleted (CT; older notation c.1223_1224delCT).
Protein change: p.Ser408fs; shifts the reading frame from serine 408.
Molecular consequence: frameshift variant.
Genome position (GRCh38, 1-based): chr2:38,071,130-38,071,131, AG deleted on the plus strand (CT on the coding strand, the reverse complement: CYP1B1 is on the minus strand); deleting any 2 consecutive bases within chr2:38,071,130-38,071,133 gives the same sequence; the c. name uses the placement nearest the transcript's 3' end. VCF-style (leftmost placement, unchanged base first): chr2-38071129-CAG-C. GRCh37 (hg19) VCF-style: chr2-38298272-CAG-C.
Other names: short protein forms S408fs.
Identifiers: ClinVar variation 2996356 (VCV002996356.4), dbSNP rs1248291721, ClinGen allele CA768462345.